The following is an entry in ClinVar:

ClinVar aggregate classification (germline): Uncertain significance. Review status: criteria provided, multiple submitters, no conflicts (2 of 4 stars). 2 submissions from 2 submitters: Uncertain significance (2). Last evaluated 2022-10-17.

Conditions:
DiGeorge syndrome. Also called: THIRD AND FOURTH PHARYNGEAL POUCH SYNDROME; Catch22. Identifiers: Orphanet 567, MedGen C0012236, MONDO:0008564, OMIM 188400.

Allele frequency attached by ClinVar (database versions not stated): gnomAD exomes below 0.00001; ExAC 0.00001.
gnomAD v4.1: 3 of 1,614,058 alleles (0.00019%); highest among the groups gnomAD compares: East Asian, 0.0022%; no homozygotes.

Submissions (2):

Labcorp Genetics (formerly Invitae), Labcorp
Classification: Uncertain significance for DiGeorge syndrome. Last evaluated: 2022-10-17. Review status: criteria provided, single submitter. Criteria: Invitae Variant Classification Sherloc (09022015). Collection method: clinical testing. Allele origin: germline.
Comment: The frequency data for this variant in the population databases is considered unreliable, as metrics indicate poor data quality at this position in the gnomAD database. This sequence change replaces arginine, which is basic and polar, with glutamine, which is neutral and polar, at codon 171 of the TBX1 protein (p.Arg171Gln). This variant also falls at the last nucleotide of exon 4, which is part of the consensus splice site for this exon. In summary, the available evidence is currently insufficient to determine the role of this variant in disease. Therefore, it has been classified as a Variant of Uncertain Significance. Variants that disrupt the consensus splice site are a relatively common cause of aberrant splicing (PMID: 17576681, 9536098). Algorithms developed to predict the effect of sequence changes on RNA splicing suggest that this variant may create or strengthen a splice site. Algorithms developed to predict the effect of missense changes on protein structure and function are either unavailable or do not agree on the potential impact of this missense change (SIFT: "Deleterious"; PolyPhen-2: "Probably Damaging"; Align-GVGD: "Class C0"). ClinVar contains an entry for this variant (Variation ID: 1310025). This variant has not been reported in the literature in individuals affected with TBX1-related conditions.

GeneDx
Classification: Uncertain significance. Last evaluated: 2019-11-20. Review status: criteria provided, single submitter. Criteria: GeneDx Variant Classification Process June 2021. Collection method: clinical testing. Allele origin: germline. Affected: yes.
Comment: In silico analysis, which includes splice predictors and evolutionary conservation, suggests this variant may impact gene splicing and cause the adjacent exon to be out of frame. In the absence of RNA/functional studies, the actual effect of this sequence change is unknown.; Not observed at a significant frequency in large population cohorts (Lek et al., 2016); Has not been previously published as pathogenic or benign to our knowledge

Literature cited by the submitters: PubMed 17576681 (cited by Labcorp Genetics (formerly Invitae), Labcorp); PubMed 9536098 (cited by Labcorp Genetics (formerly Invitae), Labcorp).

NM_001379200.1(TBX1):c.539G>A (p.Arg180Gln)

Gene: TBX1 (T-box transcription factor 1; plus strand). Cytogenetic location: 22q11.21.
Variant type: single nucleotide variant.
Coding change: c.539G>A on transcript NM_001379200.1 (MANE Select); coding-DNA position 539, G replaced by A.
Protein change: p.Arg180Gln; replaces arginine 180 with glutamine.
Molecular consequence: missense variant.
Genome position (GRCh38, 1-based): chr22:19,763,342, G>A. VCF-style: chr22-19763342-G-A. GRCh37 (hg19) VCF-style: chr22-19750865-G-A.
Other names: c.512G>A, p.Arg171Gln (NM_005992.1, NM_080646.2, NM_080647.1); short protein forms R171Q, R180Q.
Identifiers: ClinVar variation 1310025 (VCV001310025.6), dbSNP rs770313856, ClinGen allele CA10102468.